The following is an entry in ClinVar:

NM_017667.4(VPS50):c.2208-2A>G

Gene: VPS50 (VPS50 subunit of EARP/GARPII complex; plus strand). Cytogenetic location: 7q21.3.
Variant type: single nucleotide variant.
Coding change: c.2208-2A>G on transcript NM_017667.4 (MANE Select); the canonical splice acceptor site of the intron before coding-DNA position 2208, A replaced by G.
Molecular consequence: splice acceptor variant.
Genome position (GRCh38, 1-based): chr7:93,348,709, A>G. VCF-style: chr7-93348709-A-G. GRCh37 (hg19) VCF-style: chr7-92978021-A-G.
Other names: c.2118-2A>G (NM_001257998.2).
Identifiers: ClinVar variation 3388706 (VCV003388706.14).
Genomic context (GRCh38, chr7:93,348,709, plus strand): 5'-AGCATGACAGGCTCTAAATCCTACACAATTTGTTTACACAGTGGGTTATTTATTCCCTTT[A>G]GGGTATTCTTGGCTGAACAGTTTGAGTTCCTTCAGCCACATCTGGATGCTGTGATGCCTG-3'

ClinVar aggregate classification (germline): Likely pathogenic (1 of 4 stars; one submission).

Submission:

CeGaT Center for Human Genetics Tuebingen
Classification: Likely pathogenic. Last evaluated: 2024-11-01. Review status: criteria provided, single submitter. Criteria: CeGaT Center For Human Genetics Tuebingen Variant Classification Criteria Version 2. Collection method: clinical testing. Allele origin: germline. Affected: yes. Observed: 2 variant alleles.
Comment: VPS50: PVS1:Strong, PM2, PM3